The following is an entry in ClinVar:

ClinVar aggregate classification (germline): Conflicting classifications of pathogenicity. Review status: criteria provided, conflicting classifications (1 of 4 stars). 3 submissions from 3 submitters: Uncertain significance (2); Likely benign (1). Last evaluated 2026-07-01.

Conditions:
Autosomal recessive limb-girdle muscular dystrophy type 2J (LGMDR10). Also called: Limb-girdle muscular dystrophy, type 2J; MUSCULAR DYSTROPHY, LIMB-GIRDLE, AUTOSOMAL RECESSIVE 10. Identifiers: Orphanet 140922, MedGen C1837342, MONDO:0012127, OMIM 608807.
Dilated cardiomyopathy 1G (CMD1G). Identifiers: Orphanet 154, MedGen C1858763, MONDO:0011400, OMIM 604145.

Allele frequency attached by ClinVar (database versions not stated): gnomAD below 0.00001 and 0.00003; TOPMed below 0.00001; ExAC 0.00007; gnomAD exomes 0.00009.
gnomAD v4.1: 84 of 1,613,688 alleles (0.0052%); highest among the groups gnomAD compares: South Asian, 0.085%; 2 homozygotes.

Submissions (3):

CeGaT Center for Human Genetics Tuebingen
Classification: Likely benign. Last evaluated: 2026-07-01. Review status: criteria provided, single submitter. Criteria: CeGaT Center For Human Genetics Tuebingen Variant Classification Criteria Version 2. Collection method: clinical testing. Allele origin: germline. Affected: yes. Observed: 2 variant alleles.
Comment: TTN: BP4

Labcorp Genetics (formerly Invitae), Labcorp
Classification: Uncertain significance for Dilated cardiomyopathy 1G; Autosomal recessive limb-girdle muscular dystrophy type 2J. Last evaluated: 2017-07-14. Review status: criteria provided, single submitter. Criteria: Invitae Variant Classification Sherloc (09022015). Collection method: clinical testing. Allele origin: germline.

Laboratory for Molecular Medicine, Mass General Brigham Personalized Medicine
Classification: Uncertain significance. Last evaluated: 2014-03-21. Review status: criteria provided, single submitter. Criteria: LMM Criteria. Collection method: clinical testing. Allele origin: germline. Observed: 1 variant allele.
Comment: The Ile4184Ser variant in TTN has not been reported in individuals with cardiomy opathy or in large population studies. Computational prediction tools suggest th at the Ile4184Ser variant may not impact the protein, though this information is not predictive enough to rule out pathogenicity. Additional information is need ed to fully assess the clinical significance of the Ile4184Ser variant.

NM_001267550.2(TTN):c.13265T>G (p.Ile4422Ser)

Gene: TTN (titin; minus strand). Cytogenetic location: 2q31.2.
Variant type: single nucleotide variant.
Coding change: c.13265T>G on transcript NM_001267550.2 (MANE Select); coding-DNA position 13265, T replaced by G.
Protein change: p.Ile4422Ser; replaces isoleucine 4422 with serine.
Molecular consequence: missense variant. On other transcripts: intron variant (1).
Genome position (GRCh38, 1-based): chr2:178,739,968, A>C on the plus strand (T>G on the coding strand, the complement: TTN is on the minus strand). VCF-style: chr2-178739968-A-C. GRCh37 (hg19) VCF-style: chr2-179604695-A-C.
Other names: c.12314T>G, p.Ile4105Ser (NM_001256850.1); c.12176T>G, p.Ile4059Ser (NM_003319.4); c.12752T>G, p.Ile4251Ser (NM_133437.4); c.10361-1608T>G (NM_133378.4); c.12551T>G, p.Ile4184Ser (NM_133432.3); short protein forms I4184S, I4422S, I4105S, I4059S, I4251S.
Identifiers: ClinVar variation 166234 (VCV000166234.29), dbSNP rs727503656, ClinGen allele CA179023.